The following is an entry in ClinVar:

ClinVar aggregate classification (germline): Uncertain significance (1 of 4 stars; one submission).

Allele frequency attached by ClinVar (database versions not stated): ExAC 0.00002; gnomAD 0.00002; gnomAD exomes 0.00004.
gnomAD v4.1: 55 of 1,614,086 alleles (0.0034%); highest among the groups gnomAD compares: South Asian, 0.0077%; no homozygotes.

Submission:

Labcorp Genetics (formerly Invitae), Labcorp
Classification: Uncertain significance. Last evaluated: 2025-11-13. Review status: criteria provided, single submitter. Criteria: Invitae Variant Classification Sherloc (09022015). Collection method: clinical testing. Allele origin: germline.
Comment: This sequence change replaces arginine, which is basic and polar, with cysteine, which is neutral and slightly polar, at codon 108 of the COL7A1 protein (p.Arg108Cys). This variant is present in population databases (rs755047832, gnomAD 0.01%). This variant has not been reported in the literature in individuals affected with COL7A1-related conditions. ClinVar contains an entry for this variant (Variation ID: 2162785). Invitae Evidence Modeling of protein sequence and biophysical properties (such as structural, functional, and spatial information, amino acid conservation, physicochemical variation, residue mobility, and thermodynamic stability) indicates that this missense variant is expected to disrupt COL7A1 protein function with a positive predictive value of 95%. In summary, the available evidence is currently insufficient to determine the role of this variant in disease. Therefore, it has been classified as a Variant of Uncertain Significance.

NM_000094.4(COL7A1):c.322C>T (p.Arg108Cys)

Gene: COL7A1 (collagen type VII alpha 1 chain; minus strand). Cytogenetic location: 3p21.31.
Variant type: single nucleotide variant.
Coding change: c.322C>T on transcript NM_000094.4 (MANE Select); coding-DNA position 322, C replaced by T.
Protein change: p.Arg108Cys; replaces arginine 108 with cysteine.
Molecular consequence: missense variant.
Genome position (GRCh38, 1-based): chr3:48,593,641, G>A on the plus strand (C>T on the coding strand, the complement: COL7A1 is on the minus strand). VCF-style: chr3-48593641-G-A. GRCh37 (hg19) VCF-style: chr3-48631074-G-A.
Other names: short protein forms R108C.
Identifiers: ClinVar variation 2162785 (VCV002162785.2), dbSNP rs755047832, ClinGen allele CA2381578.